The following is an entry in ClinVar:

ClinVar aggregate classification (germline): Uncertain significance (1 of 4 stars; one submission).

Conditions:
Progressive sclerosing poliodystrophy (MTDPS4A). Also called: Mitochondrial DNA Depletion Syndrome 4A; Alpers-Huttenlocher Syndrome (AHS); ALPERS PROGRESSIVE INFANTILE POLIODYSTROPHY; NEURONAL DEGENERATION OF CHILDHOOD WITH LIVER DISEASE, PROGRESSIVE; Mitochondrial DNA depletion syndrome 4A (Alpers type); Alpers Syndrome. Identifiers: Orphanet 726, MedGen C0205710, MONDO:0008758, OMIM 203700.

Allele frequency attached by ClinVar (database versions not stated): TOPMed below 0.00001; gnomAD exomes 0.00001; ExAC 0.00002.
gnomAD v4.1: 8 of 1,614,114 alleles (0.0005%); highest among the groups gnomAD compares: South Asian, 0.0088%; no homozygotes.

Submission:

Labcorp Genetics (formerly Invitae), Labcorp
Classification: Uncertain significance for Progressive sclerosing poliodystrophy. Last evaluated: 2025-08-18. Review status: criteria provided, single submitter. Criteria: Invitae Variant Classification Sherloc (09022015). Collection method: clinical testing. Allele origin: germline.
Comment: This sequence change replaces isoleucine, which is neutral and non-polar, with threonine, which is neutral and polar, at codon 1069 of the POLG protein (p.Ile1069Thr). This variant is present in population databases (rs764554311, gnomAD 0.02%). This variant has not been reported in the literature in individuals affected with POLG-related conditions. ClinVar contains an entry for this variant (Variation ID: 2117319). Invitae Evidence Modeling of protein sequence and biophysical properties (such as structural, functional, and spatial information, amino acid conservation, physicochemical variation, residue mobility, and thermodynamic stability) indicates that this missense variant is not expected to disrupt POLG protein function with a negative predictive value of 95%. In summary, the available evidence is currently insufficient to determine the role of this variant in disease. Therefore, it has been classified as a Variant of Uncertain Significance.

NM_002693.3(POLG):c.3206T>C (p.Ile1069Thr)

Gene: POLG (DNA polymerase gamma, catalytic subunit; minus strand). Cytogenetic location: 15q26.1.
Variant type: single nucleotide variant.
Coding change: c.3206T>C on transcript NM_002693.3 (MANE Select); coding-DNA position 3206, T replaced by C.
Protein change: p.Ile1069Thr; replaces isoleucine 1069 with threonine.
Molecular consequence: missense variant.
Genome position (GRCh38, 1-based): chr15:89,318,998, A>G on the plus strand (T>C on the coding strand, the complement: POLG is on the minus strand). VCF-style: chr15-89318998-A-G. GRCh37 (hg19) VCF-style: chr15-89862229-A-G.
Other names: c.3206T>C, p.Ile1069Thr (NM_001126131.2); short protein forms I1069T.
Identifiers: ClinVar variation 2117319 (VCV002117319.2), dbSNP rs764554311, ClinGen allele CA7724208.
Genomic context (GRCh38, chr15:89,318,998, plus strand): 5'-TGGACAGCCGAGGGCTCCAGGGCTCGGCTGATGCAGCAGCCCAGCACCGGGGTACGTGGT[A>G]TGTCAGACGTAGCAATGCTCTCAAGCTTATTGAACATTTCTGACTCTGTGCCCCCCTTCC-3'
Protein context (NP_002684.1, residues 1059-1079): NKLESIATSD[Ile1069Thr]PRTPVLGCCI